The following is an entry in ClinVar:

NM_001159699.2(FHL1):c.350G>A (p.Cys117Tyr)

Gene: FHL1 (four and a half LIM domains 1; plus strand). Cytogenetic location: Xq26.3.
Variant type: single nucleotide variant.
Coding change: c.350G>A on transcript NM_001159699.2 (MANE Select); coding-DNA position 350, G replaced by A.
Protein change: p.Cys117Tyr; replaces cysteine 117 with tyrosine.
Molecular consequence: missense variant. On other transcripts: non-coding transcript variant (1).
Genome position (GRCh38, 1-based): chrX:136,207,161, G>A. VCF-style: chrX-136207161-G-A. GRCh37 (hg19) VCF-style: chrX-135289320-G-A.
Other names: c.302G>A, p.Cys101Tyr (NM_001159700.2, NM_001159702.3, NM_001159703.2 and 9 more transcripts); c.389G>A, p.Cys130Tyr (NM_001159701.2); c.350G>A, p.Cys117Tyr (NM_001330659.2, NM_001440769.1); short protein forms C101Y, C117Y, C130Y.
Identifiers: ClinVar variation 4083464 (VCV004083464.2).
Genomic context (GRCh38, chrX:136,207,161, plus strand): 5'-TGGCCAAGGACAACAAGATCCTGTGCAACAAGTGCACCACTCGGGAGGACTCCCCCAAGT[G>A]CAAGGGGTGCTTCAAGGCCATTGTGGCAGGTACTGCCTCCTTCCCACCCCGGGTTCCCAG-3'
Protein context (NP_001153171.1, residues 107-127): KCTTREDSPK[Cys117Tyr]KGCFKAIVAG

ClinVar aggregate classification (germline): Likely pathogenic (1 of 4 stars; one submission).

Submission:

GeneDx
Classification: Likely pathogenic. Last evaluated: 2025-10-31. Review status: criteria provided, single submitter. Criteria: GeneDx Variant Classification Process June 2021. Collection method: clinical testing. Allele origin: germline.
Comment: In silico analysis supports that this missense variant has a deleterious effect on protein structure/function; Not observed at significant frequency in large population cohorts (gnomAD); This variant is associated with the following publications: (PMID: 33361250)